The following is an entry in ClinVar:

ClinVar aggregate classification (germline): Uncertain significance. Review status: criteria provided, multiple submitters, no conflicts (2 of 4 stars). 4 submissions from 4 submitters: Uncertain significance (4). Last evaluated 2026-05-16.

Conditions:
Saldino-Mainzer syndrome (SRTD9). Also called: SHORT-RIB THORACIC DYSPLASIA 9 WITHOUT POLYDACTYLY; CONORENAL SYNDROME; Renal dysplasia, retinal pigmentary dystrophy, cerebellar ataxia and skeletal dysplasia; short-rib thoracic dysplasia 9 with or without polydactyly. Identifiers: Orphanet 140969, MedGen C1849437, MONDO:0009964, OMIM 266920.
Retinal disorder. Also called: Retinopathy; Retinopathies; Retinal Diseases; Retinal disorders. Identifiers: MedGen C0035309, MONDO:0005283, HP:0000488.
IFT140-related disorder. Also called: IFT140-related condition.
Retinitis pigmentosa 80 (RP80). Identifiers: MedGen C4540439, MONDO:0054708, OMIM 617781.

gnomAD v4.1: 39 of 1,599,642 alleles (0.0024%); highest among the groups gnomAD compares: Middle Eastern, 0.017%; no homozygotes.

Submissions (4):

PreventionGenetics, part of Exact Sciences
Classification: Uncertain significance for IFT140-related condition. Last evaluated: 2026-05-16. Review status: criteria provided, single submitter. Criteria: ACMG Guidelines, 2015. Collection method: clinical testing. Allele origin: germline.
Comment: The IFT140 c.2612G>A variant is predicted to result in the amino acid substitution p.Arg871His. To our knowledge, this variant has not been reported in the literature or in a large population database (gnomAD), indicating this variant is rare. An alternate missense change at the same amino acid position (p.Arg871Cys) has been reported in individuals affected with retinitis pigmentosa (Xu et al. 2015. PubMed ID: 26216056; supplementary data, Stone et al. 2017. PubMed ID: 28559085; Daich Varela et al. 2023. PubMed ID: 36084042; supplementary data, Weisschuh et al. 2024. PubMed ID: 37734845; supplementary data, Lin et al. 2024. PubMed ID: 38219857). At this time, the clinical significance of the p.Arg871His variant is uncertain due to the absence of conclusive functional and genetic evidence.

Genetics Laboratory, Great Ormond Street Hospital NHS Foundation Trust, North Thames Genomic Laboratory Hub
Classification: Uncertain significance for Retinal disorders. Last evaluated: 2025-10-10. Review status: criteria provided, single submitter. Criteria: ACGS Best Practice Guidelines for Variant Classification in Rare Disease 2024 v1.2. Collection method: clinical testing. Allele origin: germline. Affected: yes.
Comment: PM2_moderate, PM5_moderate, PM3_supporting

Labcorp Genetics (formerly Invitae), Labcorp
Classification: Uncertain significance for Saldino-Mainzer syndrome. Last evaluated: 2025-03-31. Review status: criteria provided, single submitter. Criteria: Invitae Variant Classification Sherloc (09022015). Collection method: clinical testing. Allele origin: germline.
Comment: This sequence change replaces arginine, which is basic and polar, with histidine, which is basic and polar, at codon 871 of the IFT140 protein (p.Arg871His). This variant is not present in population databases (gnomAD no frequency). This variant has not been reported in the literature in individuals affected with IFT140-related conditions. ClinVar contains an entry for this variant (Variation ID: 940336). Invitae Evidence Modeling of protein sequence and biophysical properties (such as structural, functional, and spatial information, amino acid conservation, physicochemical variation, residue mobility, and thermodynamic stability) has been performed for this missense variant. However, the output from this modeling did not meet the statistical confidence thresholds required to predict the impact of this variant on IFT140 protein function. This variant disrupts the p.Arg871 amino acid residue in IFT140. Other variant(s) that disrupt this residue have been determined to be pathogenic (PMID: 26216056, 28559085; internal data). This suggests that this residue is clinically significant, and that variants that disrupt this residue are likely to be disease-causing. In summary, the available evidence is currently insufficient to determine the role of this variant in disease. Therefore, it has been classified as a Variant of Uncertain Significance.

Fulgent Genetics
Classification: Uncertain significance for Saldino-Mainzer syndrome; Retinitis pigmentosa 80. Last evaluated: 2022-02-16. Review status: criteria provided, single submitter. Criteria: ACMG Guidelines, 2015. Collection method: clinical testing. Allele origin: unknown.

Literature cited by the submitters: PubMed 26216056 (cited by Labcorp Genetics (formerly Invitae), Labcorp); PubMed 28559085 (cited by Labcorp Genetics (formerly Invitae), Labcorp).

NM_014714.4(IFT140):c.2612G>A (p.Arg871His)

Gene: IFT140 (intraflagellar transport 140; minus strand). Cytogenetic location: 16p13.3.
Variant type: single nucleotide variant.
Coding change: c.2612G>A on transcript NM_014714.4 (MANE Select); coding-DNA position 2612, G replaced by A.
Protein change: p.Arg871His; replaces arginine 871 with histidine.
Molecular consequence: missense variant.
Genome position (GRCh38, 1-based): chr16:1,526,043, C>T on the plus strand (G>A on the coding strand, the complement: IFT140 is on the minus strand). VCF-style: chr16-1526043-C-T. GRCh37 (hg19) VCF-style: chr16-1576044-C-T.
Other names: short protein forms R871H.
Identifiers: ClinVar variation 940336 (VCV000940336.10), dbSNP rs905240853, ClinGen allele CA276680472.
Genomic context (GRCh38, chr16:1,526,043, plus strand): 5'-ACCTGGAGGGCCTCCTGCCACCGGCCCGCAGCCTGGTAGAACTTGTTCAGGAGGTCGTGG[C>T]GCTTGCACTTCCTGTACAGCTGCTCGGCGTCCTCCTGAGGAATGAGGATGGGCAGGTGTC-3'
Protein context (NP_055529.2, residues 861-881): DAEQLYRKCK[Arg871His]HDLLNKFYQA